The following is an entry in ClinVar:

NM_002645.4(PIK3C2A):c.4298A>G (p.His1433Arg)

Gene: PIK3C2A (phosphatidylinositol-4-phosphate 3-kinase catalytic subunit type 2 alpha; minus strand). Cytogenetic location: 11p15.1.
Variant type: single nucleotide variant.
Coding change: c.4298A>G on transcript NM_002645.4 (MANE Select); coding-DNA position 4298, A replaced by G.
Protein change: p.His1433Arg; replaces histidine 1433 with arginine.
Molecular consequence: missense variant.
Genome position (GRCh38, 1-based): chr11:17,097,085, T>C on the plus strand (A>G on the coding strand, the complement: PIK3C2A is on the minus strand). VCF-style: chr11-17097085-T-C. GRCh37 (hg19) VCF-style: chr11-17118632-T-C.
Other names: c.4298A>G, p.His1433Arg (NM_001321378.2); c.3158A>G, p.His1053Arg (NM_001321380.2); c.4130A>G, p.His1377Arg (NM_001386870.1); short protein forms H1053R, H1433R, H1377R.
Identifiers: ClinVar variation 1913163 (VCV001913163.5), dbSNP rs765741035, ClinGen allele CA5900570.

ClinVar aggregate classification (germline): Uncertain significance (1 of 4 stars; one submission).

Allele frequency attached by ClinVar (database versions not stated): gnomAD exomes below 0.00001; ExAC 0.00001; gnomAD 0.00001; TOPMed 0.00001.
gnomAD v4.1: 9 of 1,594,602 alleles (0.00056%); highest among the groups gnomAD compares: Non-Finnish European, 0.00069%; no homozygotes.

Submission:

Labcorp Genetics (formerly Invitae), Labcorp
Classification: Uncertain significance. Last evaluated: 2022-03-11. Review status: criteria provided, single submitter. Criteria: Invitae Variant Classification Sherloc (09022015). Collection method: clinical testing. Allele origin: germline.
Comment: This variant is present in population databases (rs765741035, gnomAD 0.0009%). In summary, the available evidence is currently insufficient to determine the role of this variant in disease. Therefore, it has been classified as a Variant of Uncertain Significance. Algorithms developed to predict the effect of missense changes on protein structure and function are either unavailable or do not agree on the potential impact of this missense change (SIFT: "Not Available"; PolyPhen-2: "Possibly Damaging"; Align-GVGD: "Not Available"). This variant has not been reported in the literature in individuals affected with PIK3C2A-related conditions. This sequence change replaces histidine, which is basic and polar, with arginine, which is basic and polar, at codon 1433 of the PIK3C2A protein (p.His1433Arg).